The following is an entry in ClinVar:

NM_005912.3(MC4R):c.268G>A (p.Asp90Asn)

Gene: MC4R (melanocortin 4 receptor; minus strand). Cytogenetic location: 18q21.32.
Variant type: single nucleotide variant.
Coding change: c.268G>A on transcript NM_005912.3 (MANE Select); coding-DNA position 268, G replaced by A.
Protein change: p.Asp90Asn; replaces aspartic acid 90 with asparagine.
Molecular consequence: missense variant.
Genome position (GRCh38, 1-based): chr18:60,372,082, C>T on the plus strand (G>A on the coding strand, the complement: MC4R is on the minus strand). VCF-style: chr18-60372082-C-T. GRCh37 (hg19) VCF-style: chr18-58039315-C-T.
Other names: c.268G>A (NM_005912.2); short protein forms D90N.
Identifiers: ClinVar variation 1301992 (VCV001301992.6), dbSNP rs2143967167, ClinGen allele CA402720176.

ClinVar aggregate classification (germline): Pathogenic/Likely pathogenic. Review status: criteria provided, multiple submitters, no conflicts (2 of 4 stars). 3 submissions from 3 submitters: Pathogenic (2); Likely pathogenic (1). Last evaluated 2025-07-09.

Conditions:
MC4R-related disorder. Also called: MC4R-related condition.
BODY MASS INDEX QUANTITATIVE TRAIT LOCUS 20 (BMIQ20). Also called: MELANOCORTIN 4 RECEPTOR DEFICIENCY; MC4R DEFICIENCY. Identifiers: MedGen C4759928, OMIM 618406.

Allele frequency attached by ClinVar (database versions not stated): gnomAD exomes below 0.00001.

Submissions (3):

PreventionGenetics, part of Exact Sciences
Classification: Likely pathogenic for MC4R-related condition. Last evaluated: 2025-07-09. Review status: criteria provided, single submitter. Criteria: ACMG Guidelines, 2015. Collection method: clinical testing. Allele origin: germline.
Comment: The MC4R c.268G>A variant is predicted to result in the amino acid substitution p.Asp90Asn. This variant was reported in an individual with early onset morbid obesity (Biebermann et al 2003. PubMed ID: 14633860). Several studies have demonstrated that this variant causes reduced MC4R function and trafficking (Xiang et al. 2010. PubMed ID: 20462274; Meimaridou et al. 2011. PubMed ID: 21719532; Melchior et al. 2012. PubMed ID: 23146882; He et al. 2014. PubMed ID: 25332687). In a functional comparison of published disease-associated missense variants, the p.Asp90Asn variant was found to be among those with the strongest loss-of-function affect (Lotta et al. 2019. PubMed ID: 31002796). This variant has not been reported in a large population database, indicating this variant is rare. This variant is interpreted as likely pathogenic.

Fulgent Genetics
Classification: Pathogenic for BODY MASS INDEX QUANTITATIVE TRAIT LOCUS 20. Last evaluated: 2022-01-10. Review status: criteria provided, single submitter. Criteria: ACMG Guidelines, 2015. Collection method: clinical testing. Allele origin: unknown.

Institute of Human Genetics, University of Goettingen
Classification: Pathogenic for BODY MASS INDEX QUANTITATIVE TRAIT LOCUS 20. Last evaluated: 2021-10-29. Review status: criteria provided, single submitter. Criteria: ACMG Guidelines, 2015. Collection method: case-control. Allele origin: unknown. Inheritance: Autosomal dominant inheritance. Affected: yes. Observed: 1 heterozygote.
Comment: The variant c.268G>A (p.(Asp90Asn)) in exon 1 of the MC4R-gene is not found in the gnomAD database, it affects a highly conserved nucleotide a highly conserved amino acid within a protein domain and there is a small physicochemical difference between Asp and Asn. Functional studies revealed a damaging effect of the variant on protein function (PMID: 20462274; 21719532; 23146882; 31002796; 25332687). This variant has a pathogenic computational verdict based on 12 pathogenic predictions from BayesDel_addAF, DANN, DEOGEN2, EIGEN, FATHMM-MKL, LIST-S2, M-CAP, MVP, MutationAssessor, MutationTaster, PrimateAI and SIFT vs no benign predictions. ACMG criteria used for classification: PM1, PM2, PS3, PP2, PP3, PP5.

Literature cited by the submitters: PubMed 14633860 (cited by Institute of Human Genetics, University of Goettingen); PubMed 20462274 (cited by Institute of Human Genetics, University of Goettingen); PubMed 21719532 (cited by Institute of Human Genetics, University of Goettingen); PubMed 23146882 (cited by Institute of Human Genetics, University of Goettingen); PubMed 31002796 (cited by Institute of Human Genetics, University of Goettingen); PubMed 25332687 (cited by Institute of Human Genetics, University of Goettingen).